The following is an entry in ClinVar:

ClinVar aggregate classification (germline): Uncertain significance (1 of 4 stars; one submission).

Conditions:
Inborn genetic diseases. Identifiers: MedGen C0950123, MeSH D030342.

Allele frequency attached by ClinVar (database versions not stated): gnomAD 0.00001; TOPMed 0.00001.
gnomAD v4.1: 2 of 1,552,070 alleles (0.00013%); highest among the groups gnomAD compares: Non-Finnish European, 0.00017%; no homozygotes.

Submission:

Ambry Genetics
Classification: Uncertain significance for Inborn genetic diseases. Last evaluated: 2023-02-28. Review status: criteria provided, single submitter. Criteria: Ambry Variant Classification Scheme 2023. Collection method: clinical testing. Allele origin: germline.
Comment: The c.2720A>G (p.D907G) alteration is located in exon 26 (coding exon 26) of the NCKAP1 gene. This alteration results from an A to G substitution at nucleotide position 2720, causing the aspartic acid (D) at amino acid position 907 to be replaced by a glycine (G). This variant was not reported in population-based cohorts in the Genome Aggregation Database (gnomAD). This amino acid position is highly conserved in available vertebrate species. This missense alteration is located in a region that has a low rate of benign missense variation (Lek, 2016; Firth, 2009). The in silico prediction for this alteration is inconclusive. Based on insufficient or conflicting evidence, the clinical significance of this alteration remains unclear.

NM_013436.5(NCKAP1):c.2702A>G (p.Asp901Gly)

Gene: NCKAP1 (NCK associated protein 1; minus strand). Cytogenetic location: 2q32.1.
Variant type: single nucleotide variant.
Coding change: c.2702A>G on transcript NM_013436.5 (MANE Select); coding-DNA position 2702, A replaced by G.
Protein change: p.Asp901Gly; replaces aspartic acid 901 with glycine.
Molecular consequence: missense variant.
Genome position (GRCh38, 1-based): chr2:182,935,369, T>C on the plus strand (A>G on the coding strand, the complement: NCKAP1 is on the minus strand). VCF-style: chr2-182935369-T-C. GRCh37 (hg19) VCF-style: chr2-183800097-T-C.
Other names: c.2720A>G, p.Asp907Gly (NM_205842.3); short protein forms D901G, D907G.
Identifiers: ClinVar variation 2479030 (VCV002479030.2), dbSNP rs1696852836, ClinGen allele CA349756175.